The following is an entry in ClinVar:

NM_001244008.2(KIF1A):c.1095C>A (p.Asn365Lys)

Gene: KIF1A (kinesin family member 1A; minus strand). Cytogenetic location: 2q37.3.
Variant type: single nucleotide variant.
Coding change: c.1095C>A on transcript NM_001244008.2 (MANE Select); coding-DNA position 1095, C replaced by A.
Protein change: p.Asn365Lys; replaces asparagine 365 with lysine.
Molecular consequence: missense variant.
Genome position (GRCh38, 1-based): chr2:240,773,199, G>T on the plus strand (C>A on the coding strand, the complement: KIF1A is on the minus strand). VCF-style: chr2-240773199-G-T. GRCh37 (hg19) VCF-style: chr2-241712616-G-T.
Other names: c.1095C>A, p.Asn365Lys (NM_001379650.1, NM_001379651.1, NM_001379653.1 and 21 more transcripts); short protein forms N365K.
Identifiers: ClinVar variation 2142006 (VCV002142006.4), dbSNP rs2537928675, ClinGen allele CA351295560.

ClinVar aggregate classification (germline): Uncertain significance (1 of 4 stars; one submission).

Conditions:
Neuropathy, hereditary sensory, type 2C. Also called: Hereditary sensory and autonomic neuropathy type IIC; KIF1A-Related HSAN2 (HSAN2C). Identifiers: Orphanet 970, MedGen C3280168, MONDO:0013634, OMIM 614213.
Intellectual disability, autosomal dominant 9 (NESCAVS). Also called: NESCAV SYNDROME; KIF1A-Related Neurodevelopmental Disorder. Identifiers: Orphanet 662367, MedGen C5393830, MONDO:0013656, OMIM 614255.
Hereditary spastic paraplegia 30. Identifiers: Orphanet 101010, MedGen C5235139, MONDO:0012476.

Submission:

Labcorp Genetics (formerly Invitae), Labcorp
Classification: Uncertain significance for Hereditary spastic paraplegia 30; Neuropathy, hereditary sensory, type 2C; Intellectual disability, autosomal dominant 9. Last evaluated: 2023-05-15. Review status: criteria provided, single submitter. Criteria: Invitae Variant Classification Sherloc (09022015). Collection method: clinical testing. Allele origin: germline.
Comment: This variant has not been reported in the literature in individuals affected with KIF1A-related conditions. This variant is not present in population databases (gnomAD no frequency). ClinVar contains an entry for this variant (Variation ID: 2142006). Advanced modeling of protein sequence and biophysical properties (such as structural, functional, and spatial information, amino acid conservation, physicochemical variation, residue mobility, and thermodynamic stability) performed at Invitae indicates that this missense variant is expected to disrupt KIF1A protein function. This sequence change replaces asparagine, which is neutral and polar, with lysine, which is basic and polar, at codon 365 of the KIF1A protein (p.Asn365Lys). In summary, the available evidence is currently insufficient to determine the role of this variant in disease. Therefore, it has been classified as a Variant of Uncertain Significance.